The following is an entry in ClinVar:

ClinVar aggregate classification (germline): Pathogenic. Review status: reviewed by expert panel (3 of 4 stars). 10 submissions from 9 submitters: Pathogenic (1). 9 of the submissions do not count toward it. Last evaluated 2017-03-17.

Conditions:
CFTR-related disorder (CFTR-RD). Also called: CFTR-related disorders; CFTR-related condition. Identifiers: MedGen C5924204, MONDO:7770004.
Congenital bilateral aplasia of vas deferens from CFTR mutation (CBAVD). Identifiers: Orphanet 48, MedGen C0403814, MONDO:0010178, OMIM 277180. Disease mechanism: loss of function.
Cystic fibrosis (CF). Also called: MUCOVISCIDOSIS. Identifiers: Orphanet 586, MedGen C0010674, MONDO:0009061, OMIM 219700. Disease mechanism: loss of function.
Bronchiectasis with or without elevated sweat chloride 1 (BESC1). Also called: Cystic Fibrosis-Like Syndrome. Identifiers: Orphanet 60033, MedGen C2749757, MONDO:0008887, OMIM 211400.

Allele frequency attached by ClinVar (database versions not stated): gnomAD exomes below 0.00001; gnomAD 0.00001; TOPMed 0.00001.

Submissions (10):

CFTR2
Classification: Pathogenic for Cystic fibrosis. Last evaluated: 2017-03-17. Review status: reviewed by expert panel. Criteria: Sosnay PR et al. (Nat Genet 2013). Collection method: research. Allele origin: germline. Affected: yes. Study: CFTR2.

Natera, Inc.
Classification: Pathogenic for CFTR-related disorders. Last evaluated: 2025-09-05. Review status: criteria provided, single submitter. Criteria: Natera Variant Classification Schema (03/2026). Collection method: clinical testing. Allele origin: germline. Not counted in ClinVar's aggregate classification.
Comment: The c.2810dupT variant in CFTR is a frameshift variant predicted to shift the reading frame beginning at codon 938 and leads to a stop codon 37 codons downstream. This variant is expected to result in nonsense mediated decay, truncation, or a dysfunctional protein product. This variant is rare in the general population with a frequency below the threshold expected for the associated phenotype(s). This variant has been observed in one or more individuals affected with the associated recessive disease, as either homozygous or compound heterozygous with a second variant (PMID: 22052729, 37025483). Given the available evidence, this variant is classified as Pathogenic.

Labcorp Genetics (formerly Invitae), Labcorp
Classification: Pathogenic for Cystic fibrosis. Last evaluated: 2023-10-07. Review status: criteria provided, single submitter. Criteria: Invitae Variant Classification Sherloc (09022015). Collection method: clinical testing. Allele origin: germline. Not counted in ClinVar's aggregate classification.
Comment: This sequence change creates a premature translational stop signal (p.Val938Glyfs*37) in the CFTR gene. It is expected to result in an absent or disrupted protein product. Loss-of-function variants in CFTR are known to be pathogenic (PMID: 1695717, 7691345, 9725922). This variant is not present in population databases (gnomAD no frequency). This premature translational stop signal has been observed in individual(s) with cystic fibrosis (PMID: 23974870). ClinVar contains an entry for this variant (Variation ID: 35849). For these reasons, this variant has been classified as Pathogenic.

Baylor Genetics
Classification: Pathogenic for Bronchiectasis with or without elevated sweat chloride 1. Last evaluated: 2023-06-11. Review status: criteria provided, single submitter. Criteria: ACMG Guidelines, 2015. Collection method: clinical testing. Allele origin: unknown. Not counted in ClinVar's aggregate classification.

Women's Health and Genetics/Laboratory Corporation of America, LabCorp
Classification: Pathogenic for Cystic fibrosis. Last evaluated: 2023-05-26. Review status: criteria provided, single submitter. Criteria: LabCorp Variant Classification Summary - May 2015. Collection method: clinical testing. Allele origin: germline. Not counted in ClinVar's aggregate classification.
Comment: Variant summary: CFTR c.2810dupT (p.Val938GlyfsX37) results in a premature termination codon, predicted to cause a truncation of the encoded protein or absence of the protein due to nonsense mediated decay, which are commonly known mechanisms for disease. Variants downstream of this position have been classified as pathogenic by our laboratory. The variant was absent in 251404 control chromosomes (gnomAD). c.2810dupT has been reported in the literature in individuals affected with Cystic Fibrosis (Terlizzi_2016, McCague_2019, Middleton_2019, Nykamp_2021). These data indicate that the variant is likely to be associated with disease. To our knowledge, no experimental evidence demonstrating an impact on protein function has been reported. The following publications have been ascertained in the context of this evaluation (PMID: 30888834, 31697873, 34196078, 27738188). Six ClinVar submitters (evaluation after 2014) cite this variant as pathogenic. Based on the evidence outlined above, the variant was classified as pathogenic.

Ambry Genetics
Classification: Pathogenic for Cystic fibrosis. Last evaluated: 2020-12-28. Review status: criteria provided, single submitter. Criteria: Ambry Variant Classification Scheme 2023. Collection method: clinical testing. Allele origin: germline. Not counted in ClinVar's aggregate classification.
Comment: The c.2810dupT pathogenic mutation, located in coding exon 17 of the CFTR gene, results from a duplication of T at nucleotide position 2810, causing a translational frameshift with a predicted alternate stop codon (p.V938Gfs*37). This alteration is expected to result in loss of function by premature protein truncation or nonsense-mediated mRNA decay. As such, this alteration is interpreted as a disease-causing mutation.

Johns Hopkins Genomics, Johns Hopkins University
Classification: Pathogenic for Cystic fibrosis. Last evaluated: 2019-03-28. Review status: criteria provided, single submitter. Criteria: ACMG Guidelines, 2015. Collection method: clinical testing. Allele origin: germline. Not counted in ClinVar's aggregate classification.

CFTR-France
Classification: Pathogenic for cystic fibrosis. Last evaluated: 2018-01-29. Review status: criteria provided, single submitter. Criteria: Claustres M et al. (Hum Mutat 2017). Collection method: curation. Allele origin: germline. Affected: yes. Not counted in ClinVar's aggregate classification.

Quest Diagnostics Nichols Institute San Juan Capistrano
Classification: Pathogenic. Last evaluated: 2018-01-10. Review status: criteria provided, single submitter. Criteria: Quest Diagnostics criteria. Collection method: clinical testing. Allele origin: germline. Not counted in ClinVar's aggregate classification.

Baylor Genetics
Classification: Pathogenic for Congenital bilateral aplasia of vas deferens from CFTR mutation; Cystic fibrosis. Review status: criteria provided, single submitter. Criteria: ACMG Guidelines, 2015. Collection method: clinical testing. Allele origin: germline. Not counted in ClinVar's aggregate classification.

Literature cited by the submitters: PubMed 22052729 (cited by Natera, Inc.); PubMed 37025483 (cited by Natera, Inc.); PubMed 1695717 (cited by Labcorp Genetics (formerly Invitae), Labcorp); PubMed 7691345 (cited by Labcorp Genetics (formerly Invitae), Labcorp); PubMed 9725922 (cited by Labcorp Genetics (formerly Invitae), Labcorp); PubMed 23974870 (cited by Labcorp Genetics (formerly Invitae), Labcorp); PubMed 27738188 (cited by Women's Health and Genetics/Laboratory Corporation of America, LabCorp); PubMed 31697873 (cited by Women's Health and Genetics/Laboratory Corporation of America, LabCorp); PubMed 30888834 (cited by Women's Health and Genetics/Laboratory Corporation of America, LabCorp); PubMed 34196078 (cited by Women's Health and Genetics/Laboratory Corporation of America, LabCorp).

NM_000492.4(CFTR):c.2810dup (p.Val938fs)

Gene: CFTR (CF transmembrane conductance regulator; plus strand). Cytogenetic location: 7q31.2.
Variant type: Duplication.
Coding change: c.2810dup on transcript NM_000492.4 (MANE Select); coding-DNA position 2810, one base duplicated (T; older notation c.2810dupT).
Protein change: p.Val938fs; shifts the reading frame from valine 938.
Molecular consequence: frameshift variant.
Genome position (GRCh38, 1-based): chr7:117,603,684, T duplicated. VCF-style (leftmost placement, unchanged base first): chr7-117603683-C-CT. GRCh37 (hg19) VCF-style: chr7-117243737-C-CT.
Other names: 2942insT; c.2810dupT (NM_000492.3); short protein forms V938fs.
Identifiers: ClinVar variation 35849 (VCV000035849.24), dbSNP rs193922510, ClinGen allele CA260224.